The following is an entry in ClinVar:

ClinVar aggregate classification (germline): Uncertain significance. Review status: criteria provided, multiple submitters, no conflicts (2 of 4 stars). 2 submissions from 2 submitters: Uncertain significance (2). Last evaluated 2025-06-12.

Allele frequency attached by ClinVar (database versions not stated): ExAC 0.00001; gnomAD 0.00001; TOPMed 0.00001.
gnomAD v4.1: 15 of 1,613,830 alleles (0.00093%); highest among the groups gnomAD compares: East Asian, 0.0045%; no homozygotes.

Submissions (2):

Labcorp Genetics (formerly Invitae), Labcorp
Classification: Uncertain significance. Last evaluated: 2025-06-12. Review status: criteria provided, single submitter. Criteria: Invitae Variant Classification Sherloc (09022015). Collection method: clinical testing. Allele origin: germline.
Comment: This sequence change replaces proline, which is neutral and non-polar, with leucine, which is neutral and non-polar, at codon 713 of the XPO5 protein (p.Pro713Leu). This variant is present in population databases (rs781583963, gnomAD 0.005%). This variant has not been reported in the literature in individuals affected with XPO5-related conditions. ClinVar contains an entry for this variant (Variation ID: 2347474). An algorithm developed to predict the effect of missense changes on protein structure and function (PolyPhen-2) suggests that this variant is likely to be tolerated. In summary, the available evidence is currently insufficient to determine the role of this variant in disease. Therefore, it has been classified as a Variant of Uncertain Significance.

Ambry Genetics
Classification: Uncertain significance. Last evaluated: 2022-02-03. Review status: criteria provided, single submitter. Criteria: Ambry Variant Classification Scheme 2023. Collection method: clinical testing. Allele origin: germline.

NM_020750.3(XPO5):c.2138C>T (p.Pro713Leu)

Genes: POLR1C (RNA polymerase I and III subunit C; plus strand), XPO5 (exportin 5; minus strand), LOC126859677 (BRD4-independent group 4 enhancer GRCh37_chr6:43514706-43515905; plus strand). Cytogenetic location: 6p21.1.
Variant type: single nucleotide variant.
Coding change: c.2138C>T on transcript NM_020750.3 (MANE Select); coding-DNA position 2138, C replaced by T.
Protein change: p.Pro713Leu; replaces proline 713 with leucine.
Molecular consequence: missense variant. On other transcripts: non-coding transcript variant (1), intron variant (1).
Genome position (GRCh38, 1-based): chr6:43,547,630, G>A on the plus strand (C>T on the coding strand, the complement: XPO5 is on the minus strand). VCF-style: chr6-43547630-G-A. GRCh37 (hg19) VCF-style: chr6-43515367-G-A.
Other names: c.923-3338G>A (NM_001363658.2); short protein forms P713L.
Identifiers: ClinVar variation 2347474 (VCV002347474.5), dbSNP rs781583963, ClinGen allele CA3826236.